The following is an entry in ClinVar:

ClinVar aggregate classification (germline): Uncertain significance. Review status: criteria provided, multiple submitters, no conflicts (2 of 4 stars). 3 submissions from 3 submitters: Uncertain significance (3). Last evaluated 2025-09-05.

Conditions:
Oligodontia-cancer predisposition syndrome. Also called: TOOTH AGENESIS-COLORECTAL CANCER SYNDROME. Identifiers: Orphanet 300576, MedGen C1837750, MONDO:0012075, OMIM 608615. Disease mechanism: loss of function.
Hereditary cancer-predisposing syndrome. Also called: Neoplastic Syndromes, Hereditary; Tumor predisposition; Hereditary Cancer Syndrome; Hereditary neoplastic syndrome. Identifiers: Orphanet 140162, MedGen C0027672, MeSH D009386, MONDO:0015356.

Allele frequency attached by ClinVar (database versions not stated): gnomAD exomes below 0.00001; TOPMed 0.00001.

Submissions (3):

Ambry Genetics
Classification: Uncertain significance for Hereditary cancer-predisposing syndrome. Last evaluated: 2025-09-05. Review status: criteria provided, single submitter. Criteria: Ambry Variant Classification Scheme 2023. Collection method: clinical testing. Allele origin: germline.
Comment: The p.C241Y variant (also known as c.722G>A), located in coding exon 1 of the AXIN2 gene, results from a G to A substitution at nucleotide position 722. The cysteine at codon 241 is replaced by tyrosine, an amino acid with highly dissimilar properties. This amino acid position is not well conserved in available vertebrate species. In addition, this alteration is predicted to be tolerated by in silico analysis. Based on the available evidence, the clinical significance of this variant remains unclear.

Quest Diagnostics Nichols Institute San Juan Capistrano
Classification: Uncertain significance. Last evaluated: 2025-04-07. Review status: criteria provided, single submitter. Criteria: Quest Diagnostics criteria. Collection method: clinical testing. Allele origin: unknown.
Comment: The AXIN2 c.722G>A (p.Cys241Tyr) variant has not been reported in individuals with AXIN2-related conditions in the published literature. It also has not been reported in large, multi-ethnic general populations (Genome Aggregation Database). Analysis of this variant using bioinformatics tools for the prediction of the effect of amino acid changes on protein structure and function yielded predictions that this variant is benign. Based on the available information, we are unable to determine the clinical significance of this variant.

Labcorp Genetics (formerly Invitae), Labcorp
Classification: Uncertain significance for Oligodontia-cancer predisposition syndrome. Last evaluated: 2024-10-23. Review status: criteria provided, single submitter. Criteria: Invitae Variant Classification Sherloc (09022015). Collection method: clinical testing. Allele origin: germline.
Comment: This sequence change replaces cysteine, which is neutral and slightly polar, with tyrosine, which is neutral and polar, at codon 241 of the AXIN2 protein (p.Cys241Tyr). This variant is not present in population databases (gnomAD no frequency). This variant has not been reported in the literature in individuals affected with AXIN2-related conditions. ClinVar contains an entry for this variant (Variation ID: 464641). Invitae Evidence Modeling of protein sequence and biophysical properties (such as structural, functional, and spatial information, amino acid conservation, physicochemical variation, residue mobility, and thermodynamic stability) indicates that this missense variant is not expected to disrupt AXIN2 protein function with a negative predictive value of 80%. In summary, the available evidence is currently insufficient to determine the role of this variant in disease. Therefore, it has been classified as a Variant of Uncertain Significance.

NM_004655.4(AXIN2):c.722G>A (p.Cys241Tyr)

Gene: AXIN2 (axin 2; minus strand). Cytogenetic location: 17q24.1.
Variant type: single nucleotide variant.
Coding change: c.722G>A on transcript NM_004655.4 (MANE Select); coding-DNA position 722, G replaced by A.
Protein change: p.Cys241Tyr; replaces cysteine 241 with tyrosine.
Molecular consequence: missense variant.
Genome position (GRCh38, 1-based): chr17:65,557,899, C>T on the plus strand (G>A on the coding strand, the complement: AXIN2 is on the minus strand). VCF-style: chr17-65557899-C-T. GRCh37 (hg19) VCF-style: chr17-63554017-C-T.
Other names: c.722G>A, p.Cys241Tyr (NM_001363813.1); c.722G>A (LRG_296t1); short protein forms C241Y.
Identifiers: ClinVar variation 464641 (VCV000464641.8), dbSNP rs1410654676, ClinGen allele CA400680405.
Genomic context (GRCh38, chr17:65,557,899, plus strand): 5'-ACACTCGCCGTGGCCCTCAGAGTTTTGCTGGACAAGCCAACCACGGTTGGCGAAAGTTTG[C>T]ACTTGAAGTCGGCACAAGTCCACTCCTCTTCTTCATTCAAGGTGGGGAGATAGCCACACA-3'
Protein context (NP_004646.3, residues 231-251): EEEWTCADFK[Cys241Tyr]KLSPTVVGLS